The following is an entry in ClinVar:

ClinVar aggregate classification (germline): Conflicting classifications of pathogenicity. Review status: criteria provided, conflicting classifications (1 of 4 stars). 9 submissions from 9 submitters: Uncertain significance (6); Likely benign (3). Last evaluated 2026-01-20.

Conditions:
Hereditary nonpolyposis colon cancer (HNPCC). Also called: Hereditary Nonpolyposis Colorectal Cancer Syndrome; Hereditary nonpolyposis colorectal cancer; Familial nonpolyposis colon cancer. Identifiers: Orphanet 443909, MedGen C1333990, MONDO:0018630. Disease mechanism: loss of function.
Patterned macular dystrophy 2. Identifiers: Orphanet 99001, MedGen C1837029, MONDO:0012162, OMIM 608970.
Hereditary cancer-predisposing syndrome. Also called: Neoplastic Syndromes, Hereditary; Tumor predisposition; Hereditary Cancer Syndrome; Hereditary neoplastic syndrome. Identifiers: Orphanet 140162, MedGen C0027672, MeSH D009386, MONDO:0015356.
Hereditary diffuse gastric adenocarcinoma (HDGC). Also called: DIFFUSE GASTRIC AND LOBULAR BREAST CANCER SYNDROME. Identifiers: Orphanet 26106, MedGen C1708349, MONDO:0007648, OMIM 137215.

Allele frequency attached by ClinVar (database versions not stated): TOPMed 0.00002; gnomAD 0.00003; gnomAD exomes 0.00005; ExAC 0.00007.
gnomAD v4.1: 113 of 1,614,022 alleles (0.007%); highest among the groups gnomAD compares: Middle Eastern, 0.016%; no homozygotes.

Submissions (9):

Labcorp Genetics (formerly Invitae), Labcorp
Classification: Uncertain significance. Last evaluated: 2026-01-20. Review status: criteria provided, single submitter. Criteria: Invitae Variant Classification Sherloc (09022015). Collection method: clinical testing. Allele origin: germline.
Comment: This sequence change replaces arginine, which is basic and polar, with tryptophan, which is neutral and slightly polar, at codon 137 of the CTNNA1 protein (p.Arg137Trp). This variant is present in population databases (rs781124226, gnomAD 0.009%). This missense change has been observed in individual(s) with CTNNA1-related conditions (PMID: 34326862). ClinVar contains an entry for this variant (Variation ID: 409008). Invitae Evidence Modeling of protein sequence and biophysical properties (such as structural, functional, and spatial information, amino acid conservation, physicochemical variation, residue mobility, and thermodynamic stability) indicates that this missense variant is expected to disrupt CTNNA1 protein function with a positive predictive value of 80%. In summary, the available evidence is currently insufficient to determine the role of this variant in disease. Therefore, it has been classified as a Variant of Uncertain Significance.

Center for Genomic Medicine, Rigshospitalet, Copenhagen University Hospital
Classification: Uncertain significance. Last evaluated: 2025-12-29. Review status: criteria provided, single submitter. Criteria: ACMG Guidelines, 2015. Collection method: clinical testing. Allele origin: germline.

Department of Pathology and Laboratory Medicine, Sinai Health System
Classification: Uncertain significance for hereditary nonpolyposis colon cancer. Last evaluated: 2024-12-17. Review status: criteria provided, single submitter. Criteria: ACMG Guidelines, 2015. Collection method: clinical testing. Allele origin: germline.

Blueprint Genetics
Classification: Likely benign. Last evaluated: 2024-10-16. Review status: criteria provided, single submitter. Criteria: ACMG Guidelines, 2015. Collection method: clinical testing. Allele origin: germline.

Myriad Genetics, Inc.
Classification: Likely benign for Hereditary diffuse gastric adenocarcinoma. Last evaluated: 2024-10-09. Review status: criteria provided, single submitter. Criteria: Myriad Autosomal Dominant, Autosomal Recessive and X-Linked Classification Criteria (2023). Collection method: clinical testing. Allele origin: unknown.
Comment: This variant is considered likely benign. This variant has been observed at a population frequency that is significantly greater than expected given the associated disease prevalence and penetrance.

St. Jude Molecular Pathology, St. Jude Children's Research Hospital
Classification: Uncertain significance for Hereditary diffuse gastric adenocarcinoma. Last evaluated: 2024-08-02. Review status: criteria provided, single submitter. Criteria: St. Jude Assertion Criteria 2020. Collection method: clinical testing. Allele origin: germline.
Comment: The CTNNA1 c.409C>T (p.Arg137Trp) missense change has a maximum subpopulation frequency of 0.009% in gnomAD v2.1.1. The in silico tool REVEL predicts a benign effect on protein function, but to our knowledge this prediction has not been confirmed by functional studies. To our knowledge, this variant has not been reported in individuals with CTNNA1-related disease. In summary, the evidence currently available is insufficient to determine the clinical significance of this variant. It has therefore been classified as of uncertain significance.

GeneDx
Classification: Uncertain significance. Last evaluated: 2024-05-05. Review status: criteria provided, single submitter. Criteria: GeneDx Variant Classification Process June 2021. Collection method: clinical testing. Allele origin: germline. Affected: yes.
Comment: Observed in individuals referred for hereditary cancer multi-gene panel testing (PMID: 32051609); In silico analysis supports that this missense variant has a deleterious effect on protein structure/function; This variant is associated with the following publications: (PMID: 32051609, 34326862)

Baylor Genetics
Classification: Uncertain significance for Patterned macular dystrophy 2. Last evaluated: 2023-12-30. Review status: criteria provided, single submitter. Criteria: ACMG Guidelines, 2015. Collection method: clinical testing. Allele origin: unknown.

Ambry Genetics
Classification: Likely benign for Hereditary cancer-predisposing syndrome. Last evaluated: 2023-06-28. Review status: criteria provided, single submitter. Criteria: Ambry Variant Classification Scheme 2023. Collection method: clinical testing. Allele origin: germline.

Literature cited by the submitters: PubMed 34326862 (cited by Labcorp Genetics (formerly Invitae), Labcorp); PubMed 32051609 (cited by Department of Pathology and Laboratory Medicine, Sinai Health System and Ambry Genetics).

NM_001903.5(CTNNA1):c.409C>T (p.Arg137Trp)

Gene: CTNNA1 (catenin alpha 1; plus strand). Cytogenetic location: 5q31.2.
Variant type: single nucleotide variant.
Coding change: c.409C>T on transcript NM_001903.5 (MANE Select); coding-DNA position 409, C replaced by T.
Protein change: p.Arg137Trp; replaces arginine 137 with tryptophan.
Molecular consequence: missense variant.
Genome position (GRCh38, 1-based): chr5:138,810,145, C>T. VCF-style: chr5-138810145-C-T. GRCh37 (hg19) VCF-style: chr5-138145834-C-T.
Other names: c.409C>T, p.Arg137Trp (NM_001290307.3, NM_001323982.2, NM_001323983.1 and 3 more transcripts); c.100C>T, p.Arg34Trp (NM_001290309.3); c.40C>T, p.Arg14Trp (NM_001290310.3); short protein forms R137W, R14W, R34W.
Identifiers: ClinVar variation 409008 (VCV000409008.24), dbSNP rs781124226, ClinGen allele CA3431437.